The following is an entry in ClinVar:

ClinVar aggregate classification (germline): Uncertain significance (1 of 4 stars; one submission).

Submission:

GeneDx
Classification: Uncertain significance. Last evaluated: 2024-02-22. Review status: criteria provided, single submitter. Criteria: GeneDx Variant Classification Process June 2021. Collection method: clinical testing. Allele origin: germline. Affected: yes.
Comment: Not observed at significant frequency in large population cohorts (gnomAD); In silico analysis supports that this missense variant does not alter protein structure/function; Has not been previously published as pathogenic or benign to our knowledge

NM_003072.5(SMARCA4):c.4247A>G (p.Asp1416Gly)

Gene: SMARCA4 (SWI/SNF related BAF chromatin remodeling complex subunit ATPase 4; plus strand). Cytogenetic location: 19p13.2.
Variant type: single nucleotide variant.
Coding change: c.4247A>G on transcript NM_003072.5 (MANE Select); coding-DNA position 4247, A replaced by G.
Protein change: p.Asp1416Gly; replaces aspartic acid 1416 with glycine.
Molecular consequence: missense variant. On other transcripts: non-coding transcript variant (1).
Genome position (GRCh38, 1-based): chr19:11,041,383, A>G. VCF-style: chr19-11041383-A-G. GRCh37 (hg19) VCF-style: chr19-11152059-A-G.
Other names: c.4247A>G, p.Asp1416Gly (NM_001128844.3); c.4157A>G, p.Asp1386Gly (NM_001128845.2, NM_001128846.2); c.4148A>G, p.Asp1383Gly (NM_001128847.4, NM_001128848.2, NM_001374457.1); c.4343A>G, p.Asp1448Gly (NM_001128849.3, NM_001387283.1); c.4244A>G, p.Asp1415Gly (NM_001411150.1); short protein forms D1383G, D1386G, D1415G, D1416G, D1448G.
Identifiers: ClinVar variation 3369635 (VCV003369635.1).